The following is an entry in ClinVar:

NM_017780.4(CHD7):c.2052del (p.Ala685fs)

Genes: CHD7 (chromodomain helicase DNA binding protein 7; plus strand), LOC126860403 (CDK7 strongly-dependent group 2 enhancer GRCh37_chr8:61693034-61694233; plus strand). Cytogenetic location: 8q12.2.
Variant type: Deletion.
Coding change: c.2052del on transcript NM_017780.4 (MANE Select); coding-DNA position 2052, one base deleted (A; older notation c.2052delA).
Protein change: p.Ala685fs; shifts the reading frame from alanine 685.
Molecular consequence: frameshift variant. On other transcripts: intron variant (1).
Genome position (GRCh38, 1-based): chr8:60,781,386, A deleted; the last of 3 consecutive A bases (chr8:60,781,384-60,781,386); deleting any one gives the same sequence. VCF-style (leftmost placement, unchanged base first): chr8-60781383-GA-G. GRCh37 (hg19) VCF-style: chr8-61693942-GA-G.
Other names: c.2052del (LRG_176t1); c.1716+336del (NM_001316690.1); short protein forms A685fs.
Identifiers: ClinVar variation 419683 (VCV000419683.2), dbSNP rs1064794040, ClinGen allele CA16618657.

ClinVar aggregate classification (germline): Pathogenic (1 of 4 stars; one submission).

Submission:

GeneDx
Classification: Pathogenic. Last evaluated: 2015-08-27. Review status: criteria provided, single submitter. Criteria: GeneDx Variant Classification (06012015). Collection method: clinical testing. Allele origin: germline. Affected: yes.
Comment: The c.2052delA deletion in the CHD7 gene has not been reported previously as a pathogenic variant nor as a benign polymorphism, to our knowledge. The c.2052delA variant causes a frameshift starting with codon Alanine 685, changes this amino acid to a Glutamine residue, and creates a premature Stop codon at position 26 of the new reading frame, denoted p.Ala685GlnfsX26. This deletion is predicted to cause loss of normal protein function either through protein truncation or nonsense-mediated mRNA decay. The c.2052delA variant was not observed in approximately 5900 individuals of European and African American ancestry in the NHLBI Exome Sequencing Project, indicating it is not a common benign variant in these populations. We interpret c.2052delA as a pathogenic variant.